The following is an entry in ClinVar:

ClinVar aggregate classification (germline): Uncertain significance (1 of 4 stars; one submission).

Conditions:
Long QT syndrome (LQTS). Identifiers: MedGen C0023976, MeSH D008133, MONDO:0002442. Disease mechanism: loss of function. Inheritance: Various modes of inheritance.

Allele frequency attached by ClinVar (database versions not stated): gnomAD exomes below 0.00001; TOPMed below 0.00001.
gnomAD v4.1: 1 of 1,610,638 alleles (0.000062%); highest among the groups gnomAD compares: African/African-American, 0.0013%; no homozygotes.

Submission:

Labcorp Genetics (formerly Invitae), Labcorp
Classification: Uncertain significance for Long QT syndrome. Last evaluated: 2022-12-02. Review status: criteria provided, single submitter. Criteria: Invitae Variant Classification Sherloc (09022015). Collection method: clinical testing. Allele origin: germline.
Comment: This variant has not been reported in the literature in individuals affected with CACNA1C-related conditions. This variant is present in population databases (no rsID available, gnomAD 0.007%). This sequence change replaces threonine, which is neutral and polar, with arginine, which is basic and polar, at codon 1856 of the CACNA1C protein (p.Thr1856Arg). ClinVar contains an entry for this variant (Variation ID: 1047171). In summary, the available evidence is currently insufficient to determine the role of this variant in disease. Therefore, it has been classified as a Variant of Uncertain Significance. Advanced modeling of protein sequence and biophysical properties (such as structural, functional, and spatial information, amino acid conservation, physicochemical variation, residue mobility, and thermodynamic stability) performed at Invitae indicates that this missense variant is not expected to disrupt CACNA1C protein function.

NM_000719.7(CACNA1C):c.5567C>G (p.Thr1856Arg)

Genes: CACNA1C (calcium voltage-gated channel subunit alpha1 C; plus strand), CACNA1C-AS1 (CACNA1C antisense RNA 1; minus strand). Cytogenetic location: 12p13.33.
Variant type: single nucleotide variant.
Coding change: c.5567C>G on transcript NM_000719.7 (MANE Select); coding-DNA position 5567, C replaced by G.
Protein change: p.Thr1856Arg; replaces threonine 1856 with arginine.
Molecular consequence: missense variant.
Genome position (GRCh38, 1-based): chr12:2,682,672, C>G. VCF-style: chr12-2682672-C-G. GRCh37 (hg19) VCF-style: chr12-2791838-C-G.
Other names: c.5711C>G, p.Thr1904Arg (NM_001129827.2); c.5690C>G, p.Thr1897Arg (NM_001129829.2); c.5672C>G, p.Thr1891Arg (NM_001129830.3, NM_001167624.3); c.5651C>G, p.Thr1884Arg (NM_001129831.2); c.5627C>G, p.Thr1876Arg (NM_001129832.2); c.5624C>G, p.Thr1875Arg (NM_001129833.2, NM_001129834.2, NM_001129835.2); c.5618C>G, p.Thr1873Arg (NM_001129836.2); c.5591C>G, p.Thr1864Arg (NM_001129837.2, NM_001129838.2); and 6 more; short protein forms T1853R, T1873R, T1891R, T1916R, T1856R, T1864R, T1876R, T1904R.
Identifiers: ClinVar variation 1047171 (VCV001047171.9), dbSNP rs976958765, ClinGen allele CA231613445.